The following is an entry in ClinVar:

NM_000444.6(PHEX):c.1303-2A>G

Gene: PHEX (phosphate regulating endopeptidase X-linked; plus strand). Cytogenetic location: Xp22.11.
Variant type: single nucleotide variant.
Coding change: c.1303-2A>G on transcript NM_000444.6 (MANE Select); the canonical splice acceptor site of the intron before coding-DNA position 1303, A replaced by G.
Molecular consequence: splice acceptor variant.
Genome position (GRCh38, 1-based): chrX:22,133,521, A>G. VCF-style: chrX-22133521-A-G. GRCh37 (hg19) VCF-style: chrX-22151638-A-G.
Other names: c.1303-2A>G (NM_001282754.2).
Identifiers: ClinVar variation 1804025 (VCV001804025.4), dbSNP rs2518547982, ClinGen allele CA412574520.

ClinVar aggregate classification (germline): Pathogenic. Review status: criteria provided, multiple submitters, no conflicts (2 of 4 stars). 2 submissions from 2 submitters: Pathogenic (2). Last evaluated 2023-03-08.

Conditions:
Familial X-linked hypophosphatemic vitamin D refractory rickets (XLHRD). Also called: X-Linked Hypophosphatemia; HYPOPHOSPHATEMIC VITAMIN D-RESISTANT RICKETS; Hypophosphatemic Rickets, X-Linked Dominant; Hypophosphatemia, vitamin D-resistant rickets; Vitamin D-resistant rickets, X-linked. Identifiers: Orphanet 89936, MedGen C0733682, MONDO:0010619, OMIM 307800.

Submissions (2):

Labcorp Genetics (formerly Invitae), Labcorp
Classification: Pathogenic. Last evaluated: 2023-03-08. Review status: criteria provided, single submitter. Criteria: Invitae Variant Classification Sherloc (09022015). Collection method: clinical testing. Allele origin: germline.
Comment: This sequence change affects an acceptor splice site in intron 11 of the PHEX gene. It is expected to disrupt RNA splicing. Variants that disrupt the donor or acceptor splice site typically lead to a loss of protein function (PMID: 16199547), and loss-of-function variants in PHEX are known to be pathogenic (PMID: 9097956, 9106524, 19219621). This variant is not present in population databases (gnomAD no frequency). Disruption of this splice site has been observed in individual(s) with hypophosphatemia (PMID: 26051471; Invitae). ClinVar contains an entry for this variant (Variation ID: 1804025). Algorithms developed to predict the effect of sequence changes on RNA splicing suggest that this variant may disrupt the consensus splice site. For these reasons, this variant has been classified as Pathogenic.

Institute of Human Genetics Munich, TUM University Hospital
Classification: Pathogenic for Familial X-linked hypophosphatemic vitamin D refractory rickets. Last evaluated: 2021-11-04. Review status: criteria provided, single submitter. Criteria: Classification criteria August 2017. Collection method: clinical testing. Allele origin: de novo. Inheritance: X-linked inheritance. Affected: yes. Observed: 1 variant allele.

Literature cited by the submitters: PubMed 16199547 (cited by Labcorp Genetics (formerly Invitae), Labcorp); PubMed 9097956 (cited by Labcorp Genetics (formerly Invitae), Labcorp); PubMed 9106524 (cited by Labcorp Genetics (formerly Invitae), Labcorp); PubMed 19219621 (cited by Labcorp Genetics (formerly Invitae), Labcorp); PubMed 26051471 (cited by Labcorp Genetics (formerly Invitae), Labcorp).